The following is an entry in ClinVar:

NM_005458.8(GABBR2):c.2777G>A (p.Arg926His)

Gene: GABBR2 (gamma-aminobutyric acid type B receptor subunit 2; minus strand). Cytogenetic location: 9q22.33.
Variant type: single nucleotide variant.
Coding change: c.2777G>A on transcript NM_005458.8 (MANE Select); coding-DNA position 2777, G replaced by A.
Protein change: p.Arg926His; replaces arginine 926 with histidine.
Molecular consequence: missense variant.
Genome position (GRCh38, 1-based): chr9:98,290,633, C>T on the plus strand (G>A on the coding strand, the complement: GABBR2 is on the minus strand). VCF-style: chr9-98290633-C-T. GRCh37 (hg19) VCF-style: chr9-101052915-C-T.
Other names: short protein forms R926H.
Identifiers: ClinVar variation 2476373 (VCV002476373.8), dbSNP rs901968471, ClinGen allele CA196812083.

ClinVar aggregate classification (germline): Uncertain significance. Review status: criteria provided, multiple submitters, no conflicts (2 of 4 stars). 5 submissions from 5 submitters: Uncertain significance (5). Last evaluated 2026-01-02.

Conditions:
Epileptic encephalopathy. Identifiers: MedGen C0543888, HP:0200134.
Inborn genetic diseases. Identifiers: MedGen C0950123, MeSH D030342.
GABBR2-related disorder. Also called: GABBR2-related condition; GABBR2-related disorders.
Developmental and epileptic encephalopathy, 59. Also called: Early infantile epileptic encephalopathy 59. Identifiers: MedGen C4693550, MONDO:0033368, OMIM 617904.

Allele frequency attached by ClinVar (database versions not stated): gnomAD 0.00001; gnomAD exomes 0.00001.
gnomAD v4.1: 9 of 1,441,330 alleles (0.00062%); highest among the groups gnomAD compares: South Asian, 0.0016%; no homozygotes.

Submissions (5):

PreventionGenetics, part of Exact Sciences
Classification: Uncertain significance for GABBR2-related condition. Last evaluated: 2026-01-02. Review status: criteria provided, single submitter. Criteria: ACMG Guidelines, 2015. Collection method: clinical testing. Allele origin: germline.
Comment: The GABBR2 c.2777G>A variant is predicted to result in the amino acid substitution p.Arg926His. To our knowledge, this variant has not been reported in the literature. This variant is reported in 0.014% of alleles in individuals of African descent in gnomAD. At this time, the clinical significance of this variant is uncertain due to the absence of conclusive functional and genetic evidence.

Revvity Omics, Revvity
Classification: Uncertain significance. Last evaluated: 2025-01-15. Review status: criteria provided, single submitter. Criteria: ACMG Guidelines, 2015. Collection method: clinical testing. Allele origin: germline.

Genomic Medicine Center of Excellence, King Faisal Specialist Hospital and Research Centre
Classification: Uncertain significance for Developmental and epileptic encephalopathy, 59. Last evaluated: 2024-03-29. Review status: criteria provided, single submitter. Criteria: ACMG Guidelines, 2015. Collection method: clinical testing. Allele origin: germline.

Labcorp Genetics (formerly Invitae), Labcorp
Classification: Uncertain significance for Epileptic encephalopathy. Last evaluated: 2023-06-25. Review status: criteria provided, single submitter. Criteria: Invitae Variant Classification Sherloc (09022015). Collection method: clinical testing. Allele origin: germline.
Comment: This sequence change replaces arginine, which is basic and polar, with histidine, which is basic and polar, at codon 926 of the GABBR2 protein (p.Arg926His). In summary, the available evidence is currently insufficient to determine the role of this variant in disease. Therefore, it has been classified as a Variant of Uncertain Significance. An algorithm developed to predict the effect of missense changes on protein structure and function (PolyPhen-2) suggests that this variant is likely to be disruptive. ClinVar contains an entry for this variant (Variation ID: 2476373). This variant has not been reported in the literature in individuals affected with GABBR2-related conditions. The frequency data for this variant in the population databases is considered unreliable, as metrics indicate poor data quality at this position in the gnomAD database.

Ambry Genetics
Classification: Uncertain significance for Inborn genetic diseases. Last evaluated: 2023-01-18. Review status: criteria provided, single submitter. Criteria: Ambry Variant Classification Scheme 2023. Collection method: clinical testing. Allele origin: germline.